The following is an entry in ClinVar:

NM_001711.6(BGN):c.1057C>T (p.Arg353Cys)

Gene: BGN (biglycan; plus strand). Cytogenetic location: Xq28.
Variant type: single nucleotide variant.
Coding change: c.1057C>T on transcript NM_001711.6 (MANE Select); coding-DNA position 1057, C replaced by T.
Protein change: p.Arg353Cys; replaces arginine 353 with cysteine.
Molecular consequence: missense variant.
Genome position (GRCh38, 1-based): chrX:153,508,395, C>T. VCF-style: chrX-153508395-C-T. GRCh37 (hg19) VCF-style: chrX-152773853-C-T.
Other names: short protein forms R353C.
Identifiers: ClinVar variation 3824238 (VCV003824238.1).

ClinVar aggregate classification (germline): Uncertain significance (1 of 4 stars; one submission).

Conditions:
Cardiovascular phenotype. Identifiers: MedGen CN230736.

gnomAD v4.1: 7 of 1,212,206 alleles (0.00058%); highest among the groups gnomAD compares: South Asian, 0.0018%; no homozygotes.

Submission:

Ambry Genetics
Classification: Uncertain significance for Cardiovascular phenotype. Last evaluated: 2025-02-04. Review status: criteria provided, single submitter. Criteria: Ambry Variant Classification Scheme 2023. Collection method: clinical testing. Allele origin: germline.
Comment: The p.R353C variant (also known as c.1057C>T), located in coding exon 7 of the BGN gene, results from a C to T substitution at nucleotide position 1057. The arginine at codon 353 is replaced by cysteine, an amino acid with highly dissimilar properties. This amino acid position is conserved. In addition, the in silico prediction for this alteration is inconclusive. Based on the available evidence, the clinical significance of this variant remains unclear.